The following is an entry in ClinVar:

NM_000124.4(ERCC6):c.4309T>A (p.Phe1437Ile)

Gene: ERCC6 (ERCC excision repair 6, chromatin remodeling factor; minus strand). Cytogenetic location: 10q11.23.
Variant type: single nucleotide variant.
Coding change: c.4309T>A on transcript NM_000124.4 (MANE Select); coding-DNA position 4309, T replaced by A.
Protein change: p.Phe1437Ile; replaces phenylalanine 1437 with isoleucine.
Molecular consequence: missense variant.
Genome position (GRCh38, 1-based): chr10:49,458,988, A>T on the plus strand (T>A on the coding strand, the complement: ERCC6 is on the minus strand). VCF-style: chr10-49458988-A-T. GRCh37 (hg19) VCF-style: chr10-50667034-A-T.
Other names: c.4309T>A, p.Phe1437Ile (NM_001346440.2); c.4309T>A (NM_000124.3); short protein forms F1437I.
Identifiers: ClinVar variation 432611 (VCV000432611.6), dbSNP rs758679804, ClinGen allele CA5495132.

ClinVar aggregate classification (germline): Uncertain significance. Review status: criteria provided, multiple submitters, no conflicts (2 of 4 stars). 3 submissions from 3 submitters: Uncertain significance (2). 1 of the submissions does not count toward it. Last evaluated 2022-07-23.

Conditions:
ERCC6-related disorder. Also called: ERCC6-related disorders; ERCC6-related condition. Identifiers: MedGen CN239385.

Allele frequency attached by ClinVar (database versions not stated): ExAC 0.00007; gnomAD exomes 0.00008 and 0.00024; gnomAD 0.00011; TOPMed 0.00011.
gnomAD v4.1: 373 of 1,614,026 alleles (0.023%); highest among the groups gnomAD compares: Non-Finnish European, 0.03%; no homozygotes.

Submissions (3):

Labcorp Genetics (formerly Invitae), Labcorp
Classification: Uncertain significance. Last evaluated: 2022-07-23. Review status: criteria provided, single submitter. Criteria: Invitae Variant Classification Sherloc (09022015). Collection method: clinical testing. Allele origin: germline.
Comment: This sequence change replaces phenylalanine, which is neutral and non-polar, with isoleucine, which is neutral and non-polar, at codon 1437 of the ERCC6 protein (p.Phe1437Ile). This variant is present in population databases (rs758679804, gnomAD 0.01%). This variant has not been reported in the literature in individuals affected with ERCC6-related conditions. ClinVar contains an entry for this variant (Variation ID: 432611). Algorithms developed to predict the effect of missense changes on protein structure and function are either unavailable or do not agree on the potential impact of this missense change (SIFT: "Deleterious"; PolyPhen-2: "Probably Damaging"; Align-GVGD: "Class C15"). In summary, the available evidence is currently insufficient to determine the role of this variant in disease. Therefore, it has been classified as a Variant of Uncertain Significance.

GeneDx
Classification: Uncertain significance. Last evaluated: 2022-05-13. Review status: criteria provided, single submitter. Criteria: GeneDx Variant Classification Process June 2021. Collection method: clinical testing. Allele origin: germline. Affected: yes.
Comment: In silico analysis supports that this missense variant has a deleterious effect on protein structure/function; Observed in individuals with peripheral neuropathy associated with oxaliplatin (PNAO) or colorectal cancer in published literature (West 2018, Fernndez-Rozadilla 2021); This variant is associated with the following publications: (PMID: 35135151, 34045552)

PreventionGenetics, part of Exact Sciences
Classification: Uncertain significance for ERCC6-related condition. Last evaluated: 2024-05-06. Review status: no assertion criteria provided. Collection method: clinical testing. Allele origin: germline. Not counted in ClinVar's aggregate classification.
Comment: The ERCC6 c.4309T>A variant is predicted to result in the amino acid substitution p.Phe1437Ile. To our knowledge, this variant has not been reported in the literature. This variant is reported in 0.013% of alleles in individuals of European (Non-Finnish) descent in gnomAD. At this time, the clinical significance of this variant is uncertain due to the absence of conclusive functional and genetic evidence.